The following is an entry in ClinVar:

ClinVar aggregate classification (germline): Uncertain significance (1 of 4 stars; one submission).

Allele frequency attached by ClinVar (database versions not stated): gnomAD exomes below 0.00001.
gnomAD v4.1: 2 of 1,614,044 alleles (0.00012%); highest among the groups gnomAD compares: East Asian, 0.0022%; no homozygotes.

Submission:

Labcorp Genetics (formerly Invitae), Labcorp
Classification: Uncertain significance. Last evaluated: 2021-06-22. Review status: criteria provided, single submitter. Criteria: Invitae Variant Classification Sherloc (09022015). Collection method: clinical testing. Allele origin: germline.
Comment: This sequence change replaces lysine with glutamic acid at codon 440 of the CDCA7 protein (p.Lys440Glu). The lysine residue is highly conserved and there is a small physicochemical difference between lysine and glutamic acid. This variant is not present in population databases (ExAC no frequency). This variant has not been reported in the literature in individuals with CDCA7-related conditions. Algorithms developed to predict the effect of missense changes on protein structure and function are either unavailable or do not agree on the potential impact of this missense change (SIFT: "Deleterious"; PolyPhen-2: "Benign"; Align-GVGD: "Class C0"). In summary, the available evidence is currently insufficient to determine the role of this variant in disease. Therefore, it has been classified as a Variant of Uncertain Significance.

NM_031942.5(CDCA7):c.1318A>G (p.Lys440Glu)

Gene: CDCA7 (cell division cycle associated 7; plus strand). Cytogenetic location: 2q31.1.
Variant type: single nucleotide variant.
Coding change: c.1318A>G on transcript NM_031942.5 (MANE Select); coding-DNA position 1318, A replaced by G.
Protein change: p.Lys440Glu; replaces lysine 440 with glutamic acid.
Molecular consequence: missense variant.
Genome position (GRCh38, 1-based): chr2:173,367,282, A>G. VCF-style: chr2-173367282-A-G. GRCh37 (hg19) VCF-style: chr2-174232010-A-G.
Other names: c.1081A>G, p.Lys361Glu (NM_145810.3); short protein forms K440E, K361E.
Identifiers: ClinVar variation 1434745 (VCV001434745.8), dbSNP rs1372425696, ClinGen allele CA349331903.